The following is an entry in ClinVar:

ClinVar aggregate classification (germline): Uncertain significance (1 of 4 stars; one submission).

Conditions:
Hereditary cancer-predisposing syndrome. Also called: Tumor predisposition; Hereditary Cancer Syndrome; Hereditary neoplastic syndrome; Neoplastic Syndromes, Hereditary. Identifiers: Orphanet 140162, MedGen C0027672, MeSH D009386, MONDO:0015356.

Submission:

Ambry Genetics
Classification: Uncertain significance for Hereditary cancer-predisposing syndrome. Last evaluated: 2023-07-28. Review status: criteria provided, single submitter. Criteria: Ambry Variant Classification Scheme 2023. Collection method: clinical testing. Allele origin: germline.
Comment: The p.D127N variant (also known as c.379G>A), located in coding exon 1 of the CDKN1B gene, results from a G to A substitution at nucleotide position 379. The aspartic acid at codon 127 is replaced by asparagine, an amino acid with highly similar properties. This amino acid position is conserved. In addition, this alteration is predicted to be tolerated by in silico analysis. Since supporting evidence is limited at this time, the clinical significance of this alteration remains unclear.

NM_004064.5(CDKN1B):c.379G>A (p.Asp127Asn)

Gene: CDKN1B (cyclin dependent kinase inhibitor 1B; plus strand). Cytogenetic location: 12p13.1.
Variant type: single nucleotide variant.
Coding change: c.379G>A on transcript NM_004064.5 (MANE Select); coding-DNA position 379, G replaced by A.
Protein change: p.Asp127Asn; replaces aspartic acid 127 with asparagine.
Molecular consequence: missense variant.
Genome position (GRCh38, 1-based): chr12:12,718,218, G>A. VCF-style: chr12-12718218-G-A. GRCh37 (hg19) VCF-style: chr12-12871152-G-A.
Other names: short protein forms D127N.
Identifiers: ClinVar variation 2592439 (VCV002592439.2), dbSNP rs1946497144, ClinGen allele CA383970518.